The following is an entry in ClinVar:

NM_015909.4(NBAS):c.172+4A>C

Gene: NBAS (NBAS subunit of NRZ tethering complex; minus strand). Cytogenetic location: 2p24.3.
Variant type: single nucleotide variant.
Coding change: c.172+4A>C on transcript NM_015909.4 (MANE Select); 4 bases into the intron after coding-DNA position 172, A replaced by C.
Molecular consequence: intron variant.
Genome position (GRCh38, 1-based): chr2:15,558,576, T>G on the plus strand (A>C on the coding strand, the complement: NBAS is on the minus strand). VCF-style: chr2-15558576-T-G. GRCh37 (hg19) VCF-style: chr2-15698700-T-G.
Identifiers: ClinVar variation 1448710 (VCV001448710.5), dbSNP rs563269879, ClinGen allele CA1537203.

ClinVar aggregate classification (germline): Uncertain significance. Review status: criteria provided, multiple submitters, no conflicts (2 of 4 stars). 3 submissions from 3 submitters: Uncertain significance (3). Last evaluated 2024-12-14.

Conditions:
Infantile liver failure syndrome 2 (ILFS2). Identifiers: MedGen C3809651, MONDO:0014659, OMIM 616483.
Short stature-optic atrophy-Pelger-Huët anomaly syndrome. Also called: Short stature-optic atrophy-Pelger-HuC+t anomaly syndrome; Short stature, optic nerve atrophy, and Pelger-Huet anomaly. Identifiers: Orphanet 391677, MedGen C3541319, MONDO:0013889, OMIM 614800.

Allele frequency attached by ClinVar (database versions not stated): gnomAD exomes 0.00004 and 0.00008; ExAC 0.00006; TOPMed 0.00006; gnomAD 0.00008 and 0.00009.
gnomAD v4.1: 83 of 1,611,536 alleles (0.0052%); highest among the groups gnomAD compares: Middle Eastern, 0.082%; no homozygotes.

Submissions (3):

Women's Health and Genetics/Laboratory Corporation of America, LabCorp
Classification: Uncertain significance. Last evaluated: 2024-12-14. Review status: criteria provided, single submitter. Criteria: LabCorp Variant Classification Summary - May 2015. Collection method: clinical testing. Allele origin: germline.

Fulgent Genetics
Classification: Uncertain significance for Short stature-optic atrophy-Pelger-Huët anomaly syndrome; Infantile liver failure syndrome 2. Last evaluated: 2024-06-16. Review status: criteria provided, single submitter. Criteria: ACMG Guidelines, 2015. Collection method: clinical testing. Allele origin: germline.

Labcorp Genetics (formerly Invitae), Labcorp
Classification: Uncertain significance. Last evaluated: 2022-10-05. Review status: criteria provided, single submitter. Criteria: Invitae Variant Classification Sherloc (09022015). Collection method: clinical testing. Allele origin: germline.
Comment: This sequence change falls in intron 2 of the NBAS gene. It does not directly change the encoded amino acid sequence of the NBAS protein. It affects a nucleotide within the consensus splice site. This variant is present in population databases (rs563269879, gnomAD 0.02%). This variant has not been reported in the literature in individuals affected with NBAS-related conditions. ClinVar contains an entry for this variant (Variation ID: 1448710). Variants that disrupt the consensus splice site are a relatively common cause of aberrant splicing (PMID: 17576681, 9536098). Algorithms developed to predict the effect of sequence changes on RNA splicing suggest that this variant is not likely to affect RNA splicing. In summary, the available evidence is currently insufficient to determine the role of this variant in disease. Therefore, it has been classified as a Variant of Uncertain Significance.

Literature cited by the submitters: PubMed 17576681 (cited by Labcorp Genetics (formerly Invitae), Labcorp); PubMed 9536098 (cited by Labcorp Genetics (formerly Invitae), Labcorp).